The following is an entry in ClinVar:

ClinVar aggregate classification (germline): Uncertain significance (1 of 4 stars; one submission).

Allele frequency attached by ClinVar (database versions not stated): ExAC 0.00002; gnomAD exomes 0.00002; TOPMed 0.00002; gnomAD 0.00003; ESP Exome Variant Server 0.00015.

Submission:

Labcorp Genetics (formerly Invitae), Labcorp
Classification: Uncertain significance. Last evaluated: 2022-04-08. Review status: criteria provided, single submitter. Criteria: Invitae Variant Classification Sherloc (09022015). Collection method: clinical testing. Allele origin: germline.
Comment: In summary, the available evidence is currently insufficient to determine the role of this variant in disease. Therefore, it has been classified as a Variant of Uncertain Significance. This sequence change replaces arginine, which is basic and polar, with cysteine, which is neutral and slightly polar, at codon 83 of the ORC1 protein (p.Arg83Cys). This variant is present in population databases (rs375700235, gnomAD 0.01%). This variant has not been reported in the literature in individuals affected with ORC1-related conditions. Algorithms developed to predict the effect of missense changes on protein structure and function output the following: SIFT: "Tolerated"; PolyPhen-2: "Benign"; Align-GVGD: "Class C0". The cysteine amino acid residue is found in multiple mammalian species, which suggests that this missense change does not adversely affect protein function.

NM_004153.4(ORC1):c.247C>T (p.Arg83Cys)

Gene: ORC1 (origin recognition complex subunit 1; minus strand). Cytogenetic location: 1p32.3.
Variant type: single nucleotide variant.
Coding change: c.247C>T on transcript NM_004153.4 (MANE Select); coding-DNA position 247, C replaced by T.
Protein change: p.Arg83Cys; replaces arginine 83 with cysteine.
Molecular consequence: missense variant.
Genome position (GRCh38, 1-based): chr1:52,397,840, G>A on the plus strand (C>T on the coding strand, the complement: ORC1 is on the minus strand). VCF-style: chr1-52397840-G-A. GRCh37 (hg19) VCF-style: chr1-52863512-G-A.
Other names: c.247C>T, p.Arg83Cys (NM_001190818.2, NM_001190819.2); short protein forms R83C.
Identifiers: ClinVar variation 1984859 (VCV001984859.4), dbSNP rs375700235, ClinGen allele CA853638.
Genomic context (GRCh38, chr1:52,397,840, plus strand): 5'-ACAAATGCCGTTTACAGGCAGGGACTTCACAGAATCGGACAAACCACTGTACTCGAGCAC[G>A]TTTCTTAGGAGGAGGATCAGAGTCTAGAAAGAATTTGGTGGAAAGGGAAAGGTTAAGACA-3'
Protein context (NP_004144.2, residues 73-93): EDDSDPPPKK[Arg83Cys]ARVQWFVRFC